The following is an entry in ClinVar:

ClinVar aggregate classification (germline): Benign (1 of 4 stars; one submission).

Allele frequency attached by ClinVar (database versions not stated): 1000 Genomes Project 30x 0.79731; 1000 Genomes Project 0.79912; TOPMed 0.80494.
gnomAD v4.1: 125,286 of 152,156 alleles (82%); highest among the groups gnomAD compares: Non-Finnish European, 90%; 52,385 homozygotes.

Submission:

GeneDx
Classification: Benign. Last evaluated: 2018-06-16. Review status: criteria provided, single submitter. Criteria: GeneDx Variant Classification (06012015). Collection method: clinical testing. Allele origin: germline. Affected: yes.
Comment: This variant is considered likely benign or benign based on one or more of the following criteria: it is a conservative change, it occurs at a poorly conserved position in the protein, it is predicted to be benign by multiple in silico algorithms, and/or has population frequency not consistent with disease.

NM_152594.3(SPRED1):c.685-244G>C

Gene: SPRED1 (sprouty related EVH1 domain containing 1; plus strand). Cytogenetic location: 15q14.
Variant type: single nucleotide variant.
Coding change: c.685-244G>C on transcript NM_152594.3 (MANE Select); 244 bases into the intron before coding-DNA position 685, G replaced by C.
Molecular consequence: intron variant.
Genome position (GRCh38, 1-based): chr15:38,350,770, G>C. VCF-style: chr15-38350770-G-C. GRCh37 (hg19) VCF-style: chr15-38642971-G-C.
Identifiers: ClinVar variation 561481 (VCV000561481.1), dbSNP rs12913505, ClinGen allele CA14169480.
Genomic context (GRCh38, chr15:38,350,770, plus strand): 5'-CAAGAAATAGTTGTAGTCTGAGTCCAAAGGCACCCTGCTGGCAGAATTTCTTCTTGCTCA[G>C]GGGGAGCTCAGTCTTAGTTCTAGTAAAGCCTTCAACTGATTTTATGAGGTCCGCCTATAC-3'